The following is an entry in ClinVar:

ClinVar aggregate classification (germline): Uncertain significance (1 of 4 stars; one submission).

Conditions:
Atrial fibrillation, familial, 7 (ATFB7). Identifiers: MedGen C2677106, MONDO:0012828, OMIM 612240.

Allele frequency attached by ClinVar (database versions not stated): gnomAD exomes below 0.00001; TOPMed below 0.00001.
gnomAD v4.1: 1 of 1,614,118 alleles (0.000062%); highest among the groups gnomAD compares: South Asian, 0.0011%; no homozygotes.

Submission:

Labcorp Genetics (formerly Invitae), Labcorp
Classification: Uncertain significance for Atrial fibrillation, familial, 7. Last evaluated: 2023-11-14. Review status: criteria provided, single submitter. Criteria: Invitae Variant Classification Sherloc (09022015). Collection method: clinical testing. Allele origin: germline.
Comment: This sequence change replaces glycine, which is neutral and non-polar, with glutamic acid, which is acidic and polar, at codon 385 of the KCNA5 protein (p.Gly385Glu). This variant is not present in population databases (gnomAD no frequency). This variant has not been reported in the literature in individuals affected with KCNA5-related conditions. An algorithm developed to predict the effect of missense changes on protein structure and function (PolyPhen-2) suggests that this variant is likely to be disruptive. In summary, the available evidence is currently insufficient to determine the role of this variant in disease. Therefore, it has been classified as a Variant of Uncertain Significance.

NM_002234.4(KCNA5):c.1154G>A (p.Gly385Glu)

Gene: KCNA5 (potassium voltage-gated channel subfamily A member 5; plus strand). Cytogenetic location: 12p13.32.
Variant type: single nucleotide variant.
Coding change: c.1154G>A on transcript NM_002234.4 (MANE Select); coding-DNA position 1154, G replaced by A.
Protein change: p.Gly385Glu; replaces glycine 385 with glutamic acid.
Molecular consequence: missense variant.
Genome position (GRCh38, 1-based): chr12:5,045,301, G>A. VCF-style: chr12-5045301-G-A. GRCh37 (hg19) VCF-style: chr12-5154467-G-A.
Other names: short protein forms G385E.
Identifiers: ClinVar variation 2915660 (VCV002915660.3), dbSNP rs1479419429, ClinGen allele CA383465889.